The following is an entry in ClinVar:

NM_019108.4(SMG9):c.897del (p.Thr298_Tyr299insTer)

Gene: SMG9 (SMG9 nonsense mediated mRNA decay factor; minus strand). Cytogenetic location: 19q13.31.
Variant type: Deletion.
Coding change: c.897del on transcript NM_019108.4 (MANE Select); coding-DNA position 897, one base deleted (C; older notation c.897delC).
Protein change: p.Thr298_Tyr299insTer.
Molecular consequence: nonsense.
Genome position (GRCh38, 1-based): chr19:43,738,134, G deleted on the plus strand (C on the coding strand, the reverse complement: SMG9 is on the minus strand). VCF-style (leftmost placement, unchanged base first): chr19-43738133-CG-C. GRCh37 (hg19) VCF-style: chr19-44242285-CG-C.
Identifiers: ClinVar variation 4880648 (VCV004880648.2).
Genomic context (GRCh38, chr19:43,738,133, plus strand): 5'-GGGGTGGGGATGTAAAACCTCAGTCCTGGGCCTGGCTTGGCTCCCTCACCTGCATTTCAA[CG>C]TAAGTGTGGGGAAGGTTGTACTCTGGAGGCAGTTTGCGGTCATTATTGATGAGATGGTCT-3'

ClinVar aggregate classification (germline): Likely pathogenic (1 of 4 stars; one submission).

Submission:

Dasa
Classification: Likely pathogenic. Last evaluated: 2025-02-08. Review status: criteria provided, single submitter. Criteria: DASA Assertion Criteria. Collection method: clinical testing. Allele origin: germline.
Comment: NM_019108.4(SMG9):c.897del (p.Tyr299*) is a frameshift variant in SMG9 predicted to alter the reading frame and introduce a premature termination codon and is predicted to result in an absent or altered protein product. Loss of function is an established disease mechanism for SMG9-associated disorders. Also, this variant is rare in population databases. Based on the currently available evidence, this variant is classified as likely pathogenic.